The following is an entry in ClinVar:

NM_001130823.3(DNMT1):c.3061A>G (p.Ser1021Gly)

Gene: DNMT1 (DNA methyltransferase 1; minus strand). Cytogenetic location: 19p13.2.
Variant type: single nucleotide variant.
Coding change: c.3061A>G on transcript NM_001130823.3 (MANE Select); coding-DNA position 3061, A replaced by G.
Protein change: p.Ser1021Gly; replaces serine 1021 with glycine.
Molecular consequence: missense variant.
Genome position (GRCh38, 1-based): chr19:10,143,821, T>C on the plus strand (A>G on the coding strand, the complement: DNMT1 is on the minus strand). VCF-style: chr19-10143821-T-C. GRCh37 (hg19) VCF-style: chr19-10254497-T-C.
Other names: c.3013A>G, p.Ser1005Gly (NM_001318730.2, NM_001379.4); c.2698A>G, p.Ser900Gly (NM_001318731.2); short protein forms S1005G, S900G, S1021G.
Identifiers: ClinVar variation 2848309 (VCV002848309.3), dbSNP rs2513790850, ClinGen allele CA403975700.

ClinVar aggregate classification (germline): Uncertain significance (1 of 4 stars; one submission).

Conditions:
Hereditary sensory neuropathy-deafness-dementia syndrome. Also called: HSN IE; NEUROPATHY, HEREDITARY SENSORY, WITH HEARING LOSS AND DEMENTIA; Hereditary Sensory and Autonomic Neuropathy Type 1E (HSAN1E); Hereditary sensory neuropathy type IE. Identifiers: Orphanet 456318, MedGen C3279885, MONDO:0013584, OMIM 614116.

Allele frequency attached by ClinVar (database versions not stated): gnomAD exomes below 0.00001.
gnomAD v4.1: 1 of 1,614,180 alleles (0.000062%); highest among the groups gnomAD compares: Non-Finnish European, 0.000085%; no homozygotes.

Submission:

Labcorp Genetics (formerly Invitae), Labcorp
Classification: Uncertain significance for Hereditary sensory neuropathy-deafness-dementia syndrome. Last evaluated: 2024-01-02. Review status: criteria provided, single submitter. Criteria: Invitae Variant Classification Sherloc (09022015). Collection method: clinical testing. Allele origin: germline.
Comment: This sequence change replaces serine, which is neutral and polar, with glycine, which is neutral and non-polar, at codon 1021 of the DNMT1 protein (p.Ser1021Gly). This variant is not present in population databases (gnomAD no frequency). This variant has not been reported in the literature in individuals affected with DNMT1-related conditions. Advanced modeling of protein sequence and biophysical properties (such as structural, functional, and spatial information, amino acid conservation, physicochemical variation, residue mobility, and thermodynamic stability) performed at Invitae indicates that this missense variant is not expected to disrupt DNMT1 protein function with a negative predictive value of 80%. In summary, the available evidence is currently insufficient to determine the role of this variant in disease. Therefore, it has been classified as a Variant of Uncertain Significance.